The following is an entry in ClinVar:

NM_000368.5(TSC1):c.625A>C (p.Met209Leu)

Gene: TSC1 (TSC complex subunit 1; minus strand). Cytogenetic location: 9q34.13.
Variant type: single nucleotide variant.
Coding change: c.625A>C on transcript NM_000368.5 (MANE Select); coding-DNA position 625, A replaced by C.
Protein change: p.Met209Leu; replaces methionine 209 with leucine.
Molecular consequence: missense variant.
Genome position (GRCh38, 1-based): chr9:132,921,857, T>G on the plus strand (A>C on the coding strand, the complement: TSC1 is on the minus strand). VCF-style: chr9-132921857-T-G. GRCh37 (hg19) VCF-style: chr9-135797244-T-G.
Other names: c.625A>C, p.Met209Leu (NM_001406601.1, NM_001406602.1, NM_001406603.1 and 16 more transcripts); c.472A>C, p.Met158Leu (NM_001406610.1, NM_001162427.2, NM_001406611.1 and 2 more transcripts); c.262A>C, p.Met88Leu (NM_001406620.1, NM_001406621.1, NM_001406622.1 and 10 more transcripts); c.-253A>C (NM_001406626.1, NM_001406627.1, NM_001406628.1); c.-395A>C (NM_001406629.1); c.-469A>C (NM_001406630.1); short protein forms M209L, M88L, M158L.
Identifiers: ClinVar variation 2107219 (VCV002107219.5), dbSNP rs754980229, ClinGen allele CA375372398.

ClinVar aggregate classification (germline): Uncertain significance. Review status: criteria provided, multiple submitters, no conflicts (2 of 4 stars). 2 submissions from 2 submitters: Uncertain significance (2). Last evaluated 2025-07-25.

Conditions:
Tuberous sclerosis 1 (TSC1). Identifiers: Orphanet 805, MedGen C1854465, MONDO:0008612, OMIM 191100.
TSC1-related disorder. Also called: TSC1-related condition.

Submissions (2):

PreventionGenetics, part of Exact Sciences
Classification: Uncertain significance for TSC1-related condition. Last evaluated: 2025-07-25. Review status: criteria provided, single submitter. Criteria: ACMG Guidelines, 2015. Collection method: clinical testing. Allele origin: germline.
Comment: The TSC1 c.625A>C variant is predicted to result in the amino acid substitution p.Met209Leu. To our knowledge, this variant has not been reported in the literature or in a large population database (gnomAD), indicating this variant is rare. At this time, the clinical significance of this variant is uncertain due to the absence of conclusive functional and genetic evidence.

Labcorp Genetics (formerly Invitae), Labcorp
Classification: Uncertain significance for Tuberous sclerosis 1. Last evaluated: 2022-12-16. Review status: criteria provided, single submitter. Criteria: Invitae Variant Classification Sherloc (09022015). Collection method: clinical testing. Allele origin: germline.
Comment: This sequence change replaces methionine, which is neutral and non-polar, with leucine, which is neutral and non-polar, at codon 209 of the TSC1 protein (p.Met209Leu). This variant is not present in population databases (gnomAD no frequency). This variant has not been reported in the literature in individuals affected with TSC1-related conditions. Advanced modeling of protein sequence and biophysical properties (such as structural, functional, and spatial information, amino acid conservation, physicochemical variation, residue mobility, and thermodynamic stability) performed at Invitae indicates that this missense variant is not expected to disrupt TSC1 protein function. In summary, the available evidence is currently insufficient to determine the role of this variant in disease. Therefore, it has been classified as a Variant of Uncertain Significance.